The following is an entry in ClinVar:

NM_001267550.2(TTN):c.69871del (p.Thr23291fs)

Genes: TTN-AS1 (TTN antisense RNA 1; plus strand), TTN (titin; minus strand), LOC126806422 (BRD4-independent group 4 enhancer GRCh37_chr2:179440205-179441404; plus strand). Cytogenetic location: 2q31.2.
Variant type: Deletion.
Coding change: c.69871del on transcript NM_001267550.2 (MANE Select); coding-DNA position 69871, one base deleted (A; older notation c.69871delA).
Protein change: p.Thr23291fs; shifts the reading frame from threonine 23291.
Molecular consequence: frameshift variant.
Genome position (GRCh38, 1-based): chr2:178,576,261, T deleted on the plus strand (A on the coding strand, the reverse complement: TTN is on the minus strand). VCF-style (leftmost placement, unchanged base first): chr2-178576260-GT-G. GRCh37 (hg19) VCF-style: chr2-179440987-GT-G.
Other names: c.64948del, p.Thr21650fs (NM_001256850.1); c.42676del, p.Thr14226fs (NM_003319.4); c.62167del, p.Thr20723fs (NM_133378.4); c.43051del, p.Thr14351fs (NM_133432.3); c.43252del, p.Thr14418fs (NM_133437.4); short protein forms T14226fs, T14351fs, T14418fs, T23291fs, T21650fs, T20723fs.
Identifiers: ClinVar variation 2051753 (VCV002051753.4), dbSNP rs2468718924, ClinGen allele CA2580064938.

ClinVar aggregate classification (germline): Likely pathogenic (1 of 4 stars; one submission).

Conditions:
Autosomal recessive limb-girdle muscular dystrophy type 2J (LGMDR10). Also called: Limb-girdle muscular dystrophy, type 2J; MUSCULAR DYSTROPHY, LIMB-GIRDLE, AUTOSOMAL RECESSIVE 10. Identifiers: Orphanet 140922, MedGen C1837342, MONDO:0012127, OMIM 608807.
Dilated cardiomyopathy 1G (CMD1G). Identifiers: Orphanet 154, MedGen C1858763, MONDO:0011400, OMIM 604145.

Submission:

Labcorp Genetics (formerly Invitae), Labcorp
Classification: Likely pathogenic for Dilated cardiomyopathy 1G; Autosomal recessive limb-girdle muscular dystrophy type 2J. Last evaluated: 2021-12-21. Review status: criteria provided, single submitter. Criteria: Invitae Variant Classification Sherloc (09022015). Collection method: clinical testing. Allele origin: germline.
Comment: This variant has not been reported in the literature in individuals affected with TTN-related conditions. This variant is not present in population databases (gnomAD no frequency). This sequence change creates a premature translational stop signal (p.Thr23291Profs*39) in the TTN gene. While this is not anticipated to result in nonsense mediated decay, it is expected to create a truncated TTN protein. This variant is located in the A band of TTN (PMID: 25589632). Truncating variants in this region are significantly overrepresented in patients affected with dilated cardiomyopathy (PMID: 25589632). Truncating variants in this region have also been reported in individuals affected with autosomal recessive centronuclear myopathy (PMID: 23975875). In summary, the currently available evidence indicates that the variant is pathogenic, but additional data are needed to prove that conclusively. Therefore, this variant has been classified as Likely Pathogenic.

Literature cited by the submitters: PubMed 25589632; PubMed 23975875.